The following is an entry in ClinVar:

NM_144596.4(TTC8):c.1233A>T (p.Gly411=)

Gene: TTC8 (tetratricopeptide repeat domain 8; plus strand). Cytogenetic location: 14q31.3.
Variant type: single nucleotide variant.
Coding change: c.1233A>T on transcript NM_144596.4 (MANE Select); coding-DNA position 1233, A replaced by T.
Protein change: p.Gly411=; no amino-acid change (glycine 411 retained).
Molecular consequence: synonymous variant. On other transcripts: non-coding transcript variant (1).
Genome position (GRCh38, 1-based): chr14:88,872,338, A>T. VCF-style: chr14-88872338-A-T. GRCh37 (hg19) VCF-style: chr14-89338682-A-T.
Other names: c.1281A>T, p.Gly427= (NM_001288781.1); c.639A>T, p.Gly213= (NM_001288782.1); c.516A>T, p.Gly172= (NM_001288783.1); c.1203A>T, p.Gly401= (NM_001366535.2, NM_198309.3); c.1113A>T, p.Gly371= (NM_001366536.2, NM_198310.3); c.1233A>T (NM_144596.3).
Identifiers: ClinVar variation 2063124 (VCV002063124.5), dbSNP rs1221726609, ClinGen allele CA487530605.
Genomic context (GRCh38, chr14:88,872,338, plus strand): 5'-GGAGGAGGAAGTAAACGGACCCATGGGTGTGAACATAGGCTTTCTTTTGTAGGGAATAGG[A>T]GATACAAATTTGGCCCATCAGTGCTTCAGGCTGGCTCTGGTCAACAACAACAACCACGCC-3'
Protein context (NP_653197.2, residues 401-421): YNLGHVAVGI[Gly411=]DTNLAHQCFR

ClinVar aggregate classification (germline): Likely benign. Review status: criteria provided, multiple submitters, no conflicts (2 of 4 stars). 2 submissions from 2 submitters: Likely benign (2). Last evaluated 2025-12-28.

Conditions:
Bardet-Biedl syndrome (BBS). Identifiers: Orphanet 110, MedGen C0752166, MONDO:0015229.
TTC8-related disorder. Also called: TTC8-related condition.

Allele frequency attached by ClinVar (database versions not stated): TOPMed below 0.00001.

Submissions (2):

PreventionGenetics, part of Exact Sciences
Classification: Likely benign for TTC8-related condition. Last evaluated: 2025-12-28. Review status: criteria provided, single submitter. Criteria: ACMG Guidelines, 2015. Collection method: clinical testing. Allele origin: germline.
Comment: This variant is classified as likely benign based on ACMG/AMP sequence variant interpretation guidelines (Richards et al. 2015 PMID: 25741868, with internal and published modifications).

Labcorp Genetics (formerly Invitae), Labcorp
Classification: Likely benign for Bardet-Biedl syndrome. Last evaluated: 2025-01-13. Review status: criteria provided, single submitter. Criteria: Invitae Variant Classification Sherloc (09022015). Collection method: clinical testing. Allele origin: germline.